The following is an entry in ClinVar:

NM_005751.5(AKAP9):c.4897C>T (p.Leu1633Phe)

Gene: AKAP9 (A-kinase anchoring protein 9; plus strand). Cytogenetic location: 7q21.2.
Variant type: single nucleotide variant.
Coding change: c.4897C>T on transcript NM_005751.5 (MANE Select); coding-DNA position 4897, C replaced by T.
Protein change: p.Leu1633Phe; replaces leucine 1633 with phenylalanine.
Molecular consequence: missense variant.
Genome position (GRCh38, 1-based): chr7:92,040,878, C>T. VCF-style: chr7-92040878-C-T. GRCh37 (hg19) VCF-style: chr7-91670192-C-T.
Other names: c.4897C>T, p.Leu1633Phe (NM_147185.3); short protein forms L1633F.
Identifiers: ClinVar variation 2417512 (VCV002417512.6), dbSNP rs139014789, ClinGen allele CA4336674.

ClinVar aggregate classification (germline): Uncertain significance (1 of 4 stars; one submission).

Conditions:
Long QT syndrome (LQTS). Identifiers: MedGen C0023976, MeSH D008133, MONDO:0002442. Disease mechanism: loss of function. Inheritance: Various modes of inheritance.

Allele frequency attached by ClinVar (database versions not stated): TOPMed 0.00001; ExAC 0.00002; ESP Exome Variant Server 0.00008.

Submission:

Labcorp Genetics (formerly Invitae), Labcorp
Classification: Uncertain significance for Long QT syndrome. Last evaluated: 2024-04-14. Review status: criteria provided, single submitter. Criteria: Invitae Variant Classification Sherloc (09022015). Collection method: clinical testing. Allele origin: germline.
Comment: This sequence change replaces leucine, which is neutral and non-polar, with phenylalanine, which is neutral and non-polar, at codon 1633 of the AKAP9 protein (p.Leu1633Phe). This variant is present in population databases (rs139014789, gnomAD 0.004%). This variant has not been reported in the literature in individuals affected with AKAP9-related conditions. ClinVar contains an entry for this variant (Variation ID: 2417512). An algorithm developed to predict the effect of missense changes on protein structure and function (PolyPhen-2) suggests that this variant is likely to be disruptive. In summary, the available evidence is currently insufficient to determine the role of this variant in disease. Therefore, it has been classified as a Variant of Uncertain Significance.